The following is an entry in ClinVar:

NM_001037333.3(CYFIP2):c.3145C>G (p.Leu1049Val)

Genes: NIPAL4-DT (NIPAL4 divergent transcript; minus strand), CYFIP2 (cytoplasmic FMR1 interacting protein 2; plus strand). Cytogenetic location: 5q33.3.
Variant type: single nucleotide variant.
Coding change: c.3145C>G on transcript NM_001037333.3 (MANE Select); coding-DNA position 3145, C replaced by G.
Protein change: p.Leu1049Val; replaces leucine 1049 with valine.
Molecular consequence: missense variant.
Genome position (GRCh38, 1-based): chr5:157,383,297, C>G. VCF-style: chr5-157383297-C-G. GRCh37 (hg19) VCF-style: chr5-156810305-C-G.
Other names: c.3067C>G, p.Leu1023Val (NM_001291721.2); c.3220C>G, p.Leu1074Val (NM_001291722.2); c.3145C>G, p.Leu1049Val (NM_014376.4); short protein forms L1023V, L1049V, L1074V.
Identifiers: ClinVar variation 4855713 (VCV004855713.1).
Genomic context (GRCh38, chr5:157,383,297, plus strand): 5'-ATTTTCTGCTCTGCGACTCCTTTTGCAGAGGGGGAGCGCCTGGAGGTCCGGATGAAACGT[C>G]TGGAAGCCAAGTATGCCCCGCTCCACCTGGTCCCTCTGATCGAGCGGCTGGGGACCCCTC-3'
Protein context (NP_001032410.1, residues 1039-1059): GERLEVRMKR[Leu1049Val]EAKYAPLHLV

ClinVar aggregate classification (germline): Uncertain significance (1 of 4 stars; one submission).

Conditions:
Developmental and epileptic encephalopathy, 65. Also called: EPILEPTIC ENCEPHALOPATHY, EARLY INFANTILE, 65. Identifiers: MedGen C4693925, MONDO:0033374, OMIM 618008.

Submission:

3billion
Classification: Uncertain significance for Developmental and epileptic encephalopathy, 65. Last evaluated: 2025-09-19. Review status: criteria provided, single submitter. Criteria: ACMG Guidelines, 2015. Collection method: clinical testing. Allele origin: germline. Affected: yes.
Comment: The variant is not observed in the gnomAD v4.1.0 dataset. Predicted Consequence/Location: Missense variant. Missense changes are a common disease-causing mechanism. In silico tool predictions suggest no damaging effect of the variant on gene or gene product [REVEL: 0.17 (<0.4); 3Cnet: 0.00 (<0.1, specificity 0.84 and negative predicitive value 0.97)]. Therefore, this variant is classified as VUS according to the recommendation of ACMG/AMP guideline.